The following is an entry in ClinVar:

NM_001162501.2(TNRC6B):c.3141+15_3141+24delinsG

Gene: TNRC6B (trinucleotide repeat containing adaptor 6B; plus strand). Cytogenetic location: 22q13.1.
Variant type: Indel.
Coding change: c.3141+15_3141+24delinsG on transcript NM_001162501.2 (MANE Select); bases 15 to 24 of the intron after coding-DNA position 3141, AATGTTCGCA replaced by G.
Molecular consequence: intron variant.
Genome position (GRCh38, 1-based): chr22:40,273,615-40,273,624, AATGTTCGCA replaced by G. VCF-style: chr22-40273615-AATGTTCGCA-G. GRCh37 (hg19) VCF-style: chr22-40669619-AATGTTCGCA-G.
Other names: c.900+15_900+24delinsG (NM_001024843.2); c.2982+15_2982+24delinsG (NM_015088.3).
Identifiers: ClinVar variation 3068944 (VCV003068944.2), dbSNP rs2517996885, ClinGen allele CA2825002886.

ClinVar aggregate classification (germline): Likely benign (1 of 4 stars; one submission).

Submission:

Women's Health and Genetics/Laboratory Corporation of America, LabCorp
Classification: Likely benign. Last evaluated: 2024-02-07. Review status: criteria provided, single submitter. Criteria: LabCorp Variant Classification Summary - May 2015. Collection method: clinical testing. Allele origin: germline.
Comment: Variant summary: TNRC6B c.3141+15_3141+24delinsG alters nucleotides located at a position not widely known to affect splicing. Consensus agreement among computation tools predict no significant impact on normal splicing. However, these predictions have yet to be confirmed by functional studies. The variant was absent in 156680 control chromosomes. The available data on variant occurrences in the general population are insufficient to allow any conclusion about variant significance. To our knowledge, no occurrence of c.3141+15_3141+24delinsG in individuals affected with Global Developmental Delay With Speech And Behavioral Abnormalities and no experimental evidence demonstrating its impact on protein function have been reported. No submitters have cited clinical-significance assessments for this variant to ClinVar. Based on the evidence outlined above, the variant was classified as likely benign.